The following is an entry in ClinVar:

NM_058216.3(RAD51C):c.917del (p.Gly306fs)

Gene: RAD51C (RAD51 paralog C; plus strand). Cytogenetic location: 17q22.
Variant type: Deletion.
Coding change: c.917del on transcript NM_058216.3 (MANE Select); coding-DNA position 917, one base deleted (G; older notation c.917delG).
Protein change: p.Gly306fs; shifts the reading frame from glycine 306.
Molecular consequence: frameshift variant. On other transcripts: non-coding transcript variant (1).
Genome position (GRCh38, 1-based): chr17:58,724,052, G deleted; the last of 4 consecutive G bases (chr17:58,724,049-58,724,052); deleting any one gives the same sequence. VCF-style (leftmost placement, unchanged base first): chr17-58724048-TG-T. GRCh37 (hg19) VCF-style: chr17-56801409-TG-T.
Other names: short protein forms G306fs.
Identifiers: ClinVar variation 1171281 (VCV001171281.10), dbSNP rs2143961536, ClinGen allele CA2499224766.

ClinVar aggregate classification (germline): Pathogenic. Review status: criteria provided, multiple submitters, no conflicts (2 of 4 stars). 3 submissions from 3 submitters: Pathogenic (3). Last evaluated 2022-06-08.

Conditions:
Fanconi anemia complementation group O. Also called: RAD51C-Related Fanconi Anemia. Identifiers: Orphanet 84, MedGen C3150653, MONDO:0013248, OMIM 613390.
Hereditary cancer-predisposing syndrome. Also called: Hereditary neoplastic syndrome; Neoplastic Syndromes, Hereditary; Hereditary Cancer Syndrome; Tumor predisposition. Identifiers: Orphanet 140162, MedGen C0027672, MeSH D009386, MONDO:0015356.

Submissions (3):

Labcorp Genetics (formerly Invitae), Labcorp
Classification: Pathogenic for Fanconi anemia complementation group O. Last evaluated: 2022-06-08. Review status: criteria provided, single submitter. Criteria: Invitae Variant Classification Sherloc (09022015). Collection method: clinical testing. Allele origin: germline.
Comment: For these reasons, this variant has been classified as Pathogenic. ClinVar contains an entry for this variant (Variation ID: 1171281). This variant has not been reported in the literature in individuals affected with RAD51C-related conditions. This variant is not present in population databases (gnomAD no frequency). This sequence change creates a premature translational stop signal (p.Gly306Aspfs*8) in the RAD51C gene. It is expected to result in an absent or disrupted protein product. Loss-of-function variants in RAD51C are known to be pathogenic (PMID: 20400964, 21990120, 24800917).

Ambry Genetics
Classification: Pathogenic for Hereditary cancer-predisposing syndrome. Last evaluated: 2022-03-30. Review status: criteria provided, single submitter. Criteria: Ambry Variant Classification Scheme 2023. Collection method: clinical testing. Allele origin: germline.
Comment: The c.917delG pathogenic mutation, located in coding exon 7 of the RAD51C gene, results from a deletion of one nucleotide at nucleotide position 917, causing a translational frameshift with a predicted alternate stop codon (p.G306Dfs*8). This alteration is expected to result in loss of function by premature protein truncation or nonsense-mediated mRNA decay. As such, this alteration is interpreted as a disease-causing mutation.

Color Diagnostics, LLC DBA Color Health
Classification: Pathogenic for Hereditary cancer-predisposing syndrome. Last evaluated: 2021-01-11. Review status: criteria provided, single submitter. Criteria: ACMG Guidelines, 2015. Collection method: clinical testing. Allele origin: germline.
Comment: This variant deletes 1 nucleotide in exon 7 of the RAD51C gene, creating a frameshift and premature translation stop signal. This variant is expected to result in an absent or non-functional protein product. To our knowledge, this variant has not been reported in individuals affected with hereditary cancer in the literature. This variant has not been identified in the general population by the Genome Aggregation Database (gnomAD). Loss of RAD51C function is a known mechanism of disease. Based on the available evidence, this variant is classified as Pathogenic.

Literature cited by the submitters: PubMed 20400964 (cited by Labcorp Genetics (formerly Invitae), Labcorp); PubMed 21990120 (cited by Labcorp Genetics (formerly Invitae), Labcorp); PubMed 24800917 (cited by Labcorp Genetics (formerly Invitae), Labcorp).